The following is an entry in ClinVar:

ClinVar aggregate classification (germline): Uncertain significance (1 of 4 stars; one submission).

Submission:

Labcorp Genetics (formerly Invitae), Labcorp
Classification: Uncertain significance. Last evaluated: 2023-06-16. Review status: criteria provided, single submitter. Criteria: Invitae Variant Classification Sherloc (09022015). Collection method: clinical testing. Allele origin: germline.
Comment: In summary, the available evidence is currently insufficient to determine the role of this variant in disease. Therefore, it has been classified as a Variant of Uncertain Significance. Algorithms developed to predict the effect of missense changes on protein structure and function output the following: SIFT: "Not Available"; PolyPhen-2: "Benign"; Align-GVGD: "Not Available". The asparagine amino acid residue is found in multiple mammalian species, which suggests that this missense change does not adversely affect protein function. This variant has not been reported in the literature in individuals affected with IL23R-related conditions. This variant is not present in population databases (gnomAD no frequency). This sequence change replaces aspartic acid, which is acidic and polar, with asparagine, which is neutral and polar, at codon 243 of the IL23R protein (p.Asp243Asn).

NM_144701.3(IL23R):c.727G>A (p.Asp243Asn)

Gene: IL23R (interleukin 23 receptor; plus strand). Cytogenetic location: 1p31.3.
Variant type: single nucleotide variant.
Coding change: c.727G>A on transcript NM_144701.3 (MANE Select); coding-DNA position 727, G replaced by A.
Protein change: p.Asp243Asn; replaces aspartic acid 243 with asparagine.
Molecular consequence: missense variant.
Genome position (GRCh38, 1-based): chr1:67,206,984, G>A. VCF-style: chr1-67206984-G-A. GRCh37 (hg19) VCF-style: chr1-67672667-G-A.
Other names: short protein forms D243N.
Identifiers: ClinVar variation 2804309 (VCV002804309.3), dbSNP rs1649116237, ClinGen allele CA340728317.
Genomic context (GRCh38, chr1:67,206,984, plus strand): 5'-GCCGTCATTTCCAGGGCTGAGACTATAAATGCTACAGTGCCCAAGACCATAATTTATTGG[G>A]ATAGTCAAACAACAATTGAAAAGGTTTCCTGTGAAATGAGATACAAGGCTACAACAAACC-3'
Protein context (NP_653302.2, residues 233-253): ATVPKTIIYW[Asp243Asn]SQTTIEKVSC